The following is an entry in ClinVar:

ClinVar aggregate classification (germline): Uncertain significance (1 of 4 stars; one submission).

gnomAD v4.1: 8 of 1,610,812 alleles (0.0005%); highest among the groups gnomAD compares: African/African-American, 0.0027%; no homozygotes.

Submission:

GeneDx
Classification: Uncertain significance. Last evaluated: 2025-08-07. Review status: criteria provided, single submitter. Criteria: GeneDx Variant Classification Process June 2021. Collection method: clinical testing. Allele origin: germline. Affected: yes.
Comment: In silico analysis supports that this missense variant has a deleterious effect on protein structure/function; Has not been previously published as pathogenic or benign to our knowledge

NM_001080453.3(INTS1):c.2528G>A (p.Arg843Gln)

Gene: INTS1 (integrator complex subunit 1; minus strand). Cytogenetic location: 7p22.3.
Variant type: single nucleotide variant.
Coding change: c.2528G>A on transcript NM_001080453.3 (MANE Select); coding-DNA position 2528, G replaced by A.
Protein change: p.Arg843Gln; replaces arginine 843 with glutamine.
Molecular consequence: missense variant.
Genome position (GRCh38, 1-based): chr7:1,487,438, C>T on the plus strand (G>A on the coding strand, the complement: INTS1 is on the minus strand). VCF-style: chr7-1487438-C-T. GRCh37 (hg19) VCF-style: chr7-1527074-C-T.
Other names: short protein forms R843Q.
Identifiers: ClinVar variation 4755935 (VCV004755935.1).